The following is an entry in ClinVar:

ClinVar aggregate classification (germline): Uncertain significance (1 of 4 stars; one submission).

Conditions:
Borjeson-Forssman-Lehmann syndrome (BFLS). Also called: MENTAL RETARDATION, X-LINKED, SYNDROMIC, BORJESON-FORSSMAN-LEHMANN TYPE; MENTAL RETARDATION, EPILEPSY, AND ENDOCRINE DISORDERS; BORJESON SYNDROME. Identifiers: Orphanet 127, MedGen C0265339, MONDO:0010537, OMIM 301900.

gnomAD v4.1: 7 of 1,208,187 alleles (0.00058%); highest among the groups gnomAD compares: Admixed American, 0.0022%; no homozygotes.

Submission:

Neuberg Centre For Genomic Medicine, NCGM
Classification: Uncertain significance for Borjeson-Forssman-Lehmann syndrome. Last evaluated: 2023-06-22. Review status: criteria provided, single submitter. Criteria: ACMG Guidelines, 2015. Collection method: clinical testing. Allele origin: germline. Inheritance: X-linked recessive inheritance. Affected: yes.
Comment: The observed missense c.44G>Ap.Arg15His variant in PHF6 gene has not been reported previously as a pathogenic variant nor a benign variant, to our knowledge. The p.Arg15His variant is absent in gnomAD Exomes. This variant has not been submitted to the ClinVar database. Multiple lines of computational evidences Polyphen - Probably damaging, SIFT - Tolerated and MutationTaster - Disease causing predict conflicting evidence on protein structure and function for this variant. The reference amino acid change at this positon on PHF6 gene is predicted as conserved by GERP++ and PhyloP across 100 vertebrates. The amino acid Arg at position 15 is changed to a His changing protein sequence and it might alter its composition and physico-chemical properties. For these reasons, this variant has been classified as a Variant of Uncertain Significance VUS.

NM_001015877.2(PHF6):c.44G>A (p.Arg15His)

Gene: PHF6 (PHD finger protein 6; plus strand). Cytogenetic location: Xq26.2.
Variant type: single nucleotide variant.
Coding change: c.44G>A on transcript NM_001015877.2 (MANE Select); coding-DNA position 44, G replaced by A.
Protein change: p.Arg15His; replaces arginine 15 with histidine.
Molecular consequence: missense variant.
Genome position (GRCh38, 1-based): chrX:134,377,661, G>A. VCF-style: chrX-134377661-G-A. GRCh37 (hg19) VCF-style: chrX-133511691-G-A.
Other names: c.44G>A, p.Arg15His (NM_032335.3, NM_032458.3); short protein forms R15H.
Identifiers: ClinVar variation 3391334 (VCV003391334.1).
Genomic context (GRCh38, chrX:134,377,661, plus strand): 5'-AAGGCAATTTAAAAATCATGTCAAGCTCAGTTGAACAGAAAAAAGGGCCTACAAGACAGC[G>A]CAAATGTGGCTTTTGTAAGTCAAATAGAGACAAGGAATGTGGACAGTTACTAATATCTGA-3'
Protein context (NP_001015877.1, residues 5-25): VEQKKGPTRQ[Arg15His]KCGFCKSNRD